The following is an entry in ClinVar:

NM_002691.4(POLD1):c.2892G>C (p.Lys964Asn)

Gene: POLD1 (DNA polymerase delta 1, catalytic subunit; plus strand). Cytogenetic location: 19q13.33.
Variant type: single nucleotide variant.
Coding change: c.2892G>C on transcript NM_002691.4 (MANE Select); coding-DNA position 2892, G replaced by C.
Protein change: p.Lys964Asn; replaces lysine 964 with asparagine.
Molecular consequence: missense variant. On other transcripts: non-coding transcript variant (1).
Genome position (GRCh38, 1-based): chr19:50,416,467, G>C. VCF-style: chr19-50416467-G-C. GRCh37 (hg19) VCF-style: chr19-50919724-G-C.
Other names: c.2892G>C, p.Lys964Asn (NM_001256849.1); c.2970G>C, p.Lys990Asn (NM_001308632.1); c.2892G>C (NM_002691.2); short protein forms K964N, K990N.
Identifiers: ClinVar variation 449820 (VCV000449820.16), dbSNP rs956916335, ClinGen allele CA309605365.

ClinVar aggregate classification (germline): Uncertain significance. Review status: criteria provided, multiple submitters, no conflicts (2 of 4 stars). 3 submissions from 3 submitters: Uncertain significance (3). Last evaluated 2025-07-13.

Conditions:
Hereditary cancer-predisposing syndrome. Also called: Neoplastic Syndromes, Hereditary; Hereditary neoplastic syndrome; Tumor predisposition; Hereditary Cancer Syndrome. Identifiers: Orphanet 140162, MedGen C0027672, MeSH D009386, MONDO:0015356.
POLD1-related polyposis and colorectal cancer syndrome (CRCS10). Also called: Colorectal cancer 10; COLORECTAL CANCER, SUSCEPTIBILITY TO, ON CHROMOSOME 19q; Colorectal cancer, susceptibility to, 10. Identifiers: Orphanet 220460, MedGen C2675481, MONDO:0012953, OMIM 612591.

Allele frequency attached by ClinVar (database versions not stated): gnomAD exomes 0.00001; TOPMed 0.00001.
gnomAD v4.1: 6 of 1,550,750 alleles (0.00039%); highest among the groups gnomAD compares: Non-Finnish European, 0.00052%; no homozygotes.

Submissions (3):

Labcorp Genetics (formerly Invitae), Labcorp
Classification: Uncertain significance for POLD1-related polyposis and colorectal cancer syndrome. Last evaluated: 2025-07-13. Review status: criteria provided, single submitter. Criteria: Invitae Variant Classification Sherloc (09022015). Collection method: clinical testing. Allele origin: germline.
Comment: This sequence change replaces lysine, which is basic and polar, with asparagine, which is neutral and polar, at codon 964 of the POLD1 protein (p.Lys964Asn). This variant is present in population databases (no rsID available, gnomAD 0.003%). This variant has not been reported in the literature in individuals affected with POLD1-related conditions. ClinVar contains an entry for this variant (Variation ID: 449820). Invitae Evidence Modeling of protein sequence and biophysical properties (such as structural, functional, and spatial information, amino acid conservation, physicochemical variation, residue mobility, and thermodynamic stability) indicates that this missense variant is not expected to disrupt POLD1 protein function with a negative predictive value of 80%. In summary, the available evidence is currently insufficient to determine the role of this variant in disease. Therefore, it has been classified as a Variant of Uncertain Significance.

Ambry Genetics
Classification: Uncertain significance for Hereditary cancer-predisposing syndrome. Last evaluated: 2025-03-09. Review status: criteria provided, single submitter. Criteria: Ambry Variant Classification Scheme 2023. Collection method: clinical testing. Allele origin: germline.
Comment: The p.K964N variant (also known as c.2892G>C), located in coding exon 22 of the POLD1 gene, results from a G to C substitution at nucleotide position 2892. The lysine at codon 964 is replaced by asparagine, an amino acid with similar properties. This amino acid position is conserved. In addition, this alteration is predicted to be tolerated by in silico analysis. Based on the available evidence, the clinical significance of this variant remains unclear.

GeneDx
Classification: Uncertain significance. Last evaluated: 2022-06-12. Review status: criteria provided, single submitter. Criteria: GeneDx Variant Classification Process June 2021. Collection method: clinical testing. Allele origin: germline. Affected: yes.
Comment: Not observed at significant frequency in large population cohorts (gnomAD); In silico analysis supports that this missense variant has a deleterious effect on protein structure/function; Has not been previously published as pathogenic or benign to our knowledge